The following is an entry in ClinVar:

NM_001136193.2(FASTKD2):c.778G>A (p.Glu260Lys)

Genes: FASTKD2 (FASTK mitochondrial RNA regulator 2; plus strand), LOC126806484 (CDK7 strongly-dependent group 2 enhancer GRCh37_chr2:207634423-207635622; plus strand). Cytogenetic location: 2q33.3.
Variant type: single nucleotide variant.
Coding change: c.778G>A on transcript NM_001136193.2 (MANE Select); coding-DNA position 778, G replaced by A.
Protein change: p.Glu260Lys; replaces glutamic acid 260 with lysine.
Molecular consequence: missense variant.
Genome position (GRCh38, 1-based): chr2:206,770,091, G>A. VCF-style: chr2-206770091-G-A. GRCh37 (hg19) VCF-style: chr2-207634815-G-A.
Other names: c.778G>A, p.Glu260Lys (NM_001136194.2, NM_014929.4); short protein forms E260K.
Identifiers: ClinVar variation 5002640 (VCV005002640.1).

ClinVar aggregate classification (germline): Uncertain significance (1 of 4 stars; one submission).

Conditions:
FASTKD2-related disorder. Also called: FASTKD2-related condition.

Submission:

PreventionGenetics, part of Exact Sciences
Classification: Uncertain significance for FASTKD2-related condition. Last evaluated: 2026-05-22. Review status: criteria provided, single submitter. Criteria: ACMG Guidelines, 2015. Collection method: clinical testing. Allele origin: germline.
Comment: The FASTKD2 c.778G>A variant is predicted to result in the amino acid substitution p.Glu260Lys. To our knowledge, this variant has not been reported in the literature or in a large population database (gnomAD), indicating this variant is rare. At this time, the clinical significance of this variant is uncertain due to the absence of conclusive functional and genetic evidence.